The following is an entry in ClinVar:

NM_005876.5(SPEG):c.8883C>T (p.Pro2961=)

Genes: ASIC4-AS1 (ASIC4 antisense RNA 1; minus strand), SPEG (striated muscle enriched protein kinase; plus strand). Cytogenetic location: 2q35.
Variant type: single nucleotide variant.
Coding change: c.8883C>T on transcript NM_005876.5 (MANE Select); coding-DNA position 8883, C replaced by T.
Protein change: p.Pro2961=; no amino-acid change (proline 2961 retained).
Molecular consequence: synonymous variant.
Genome position (GRCh38, 1-based): chr2:219,489,901, C>T. VCF-style: chr2-219489901-C-T. GRCh37 (hg19) VCF-style: chr2-220354623-C-T.
Other names: p.Pro2961=.
Identifiers: ClinVar variation 3610897 (VCV003610897.3).

ClinVar aggregate classification (germline): Likely benign. Review status: criteria provided, multiple submitters, no conflicts (2 of 4 stars). 2 submissions from 2 submitters: Likely benign (2). Last evaluated 2024-12-30.

gnomAD v4.1: 6 of 1,591,194 alleles (0.00038%); highest among the groups gnomAD compares: East Asian, 0.0068%; no homozygotes.

Submissions (2):

Mayo Clinic Laboratories, Mayo Clinic
Classification: Likely benign. Last evaluated: 2024-12-30. Review status: criteria provided, single submitter. Criteria: ACMG Guidelines, 2015. Collection method: clinical testing. Allele origin: germline. Observed: 1 variant allele.
Comment: BP4, BP7

Labcorp Genetics (formerly Invitae), Labcorp
Classification: Likely benign. Last evaluated: 2024-06-19. Review status: criteria provided, single submitter. Criteria: Invitae Variant Classification Sherloc (09022015). Collection method: clinical testing. Allele origin: germline.